The following is an entry in ClinVar:

ClinVar aggregate classification (germline): Likely benign. Review status: criteria provided, single submitter (1 of 4 stars). 2 submissions from 2 submitters: Likely benign (1). 1 of the submissions does not count toward it. Last evaluated 2023-12-01.

Conditions:
NFASC-related disorder. Also called: NFASC-related condition.

Allele frequency attached by ClinVar (database versions not stated): ExAC 0.00033; ESP Exome Variant Server 0.00069; 1000 Genomes Project 0.00080; TOPMed 0.00080; gnomAD 0.00082; 1000 Genomes Project 30x 0.00109.
gnomAD v4.1: 303 of 1,613,130 alleles (0.019%); highest among the groups gnomAD compares: African/African-American, 0.27%; no homozygotes.

Submissions (2):

CeGaT Center for Human Genetics Tuebingen
Classification: Likely benign. Last evaluated: 2023-12-01. Review status: criteria provided, single submitter. Criteria: CeGaT Center For Human Genetics Tuebingen Variant Classification Criteria Version 2. Collection method: clinical testing. Allele origin: germline. Affected: yes. Observed: 1 variant allele.
Comment: NFASC: BP4, BP7

PreventionGenetics, part of Exact Sciences
Classification: Likely benign for NFASC-related condition. Last evaluated: 2019-03-18. Review status: no assertion criteria provided. Collection method: clinical testing. Allele origin: germline. Not counted in ClinVar's aggregate classification.
Comment: This variant is classified as likely benign based on ACMG/AMP sequence variant interpretation guidelines (Richards et al. 2015 PMID: 25741868, with internal and published modifications).

NM_001160331.2(NFASC):c.2817G>A (p.Pro939=)

Gene: NFASC (neurofascin; plus strand). Cytogenetic location: 1q32.1.
Variant type: single nucleotide variant.
Coding change: c.2817G>A on transcript NM_001160331.2 (MANE Plus Clinical); coding-DNA position 2817, G replaced by A.
Protein change: p.Pro939=; no amino-acid change (proline 939 retained).
Molecular consequence: synonymous variant. On other transcripts: intron variant (2).
Genome position (GRCh38, 1-based): chr1:204,986,107, G>A. VCF-style: chr1-204986107-G-A. GRCh37 (hg19) VCF-style: chr1-204955235-G-A.
Other names: c.2772G>A (NM_001160332.1); c.2772G>A, p.Pro924= (NM_001160332.2, NM_015090.4); c.2784G>A, p.Pro928= (NM_001378329.1); c.2471-1311G>A (NM_001005388.3); c.2459-1311G>A (NM_001365986.1).
Identifiers: ClinVar variation 3025406 (VCV003025406.23), dbSNP rs141864015, ClinGen allele CA1350355.
Genomic context (GRCh38, chr1:204,986,107, plus strand): 5'-GGTTGTGGTCAATGGGAGAGGTGATGGGCCTCGCAGTGAGACCAAGGAGTTCACCACCCC[G>A]GAAGGAGGTAGGTCTGGCCTGCAGCTCTTCAGGGTGGGGCAGGAGAAGGGTGGCACACAC-3'
Protein context (NP_001153803.1, residues 929-949): PRSETKEFTT[Pro939=]EGVPSAPRRF